The following is an entry in ClinVar:

NM_002691.4(POLD1):c.203-6_203-5insG

Gene: POLD1 (DNA polymerase delta 1, catalytic subunit; plus strand). Cytogenetic location: 19q13.33.
Variant type: Insertion.
Coding change: c.203-6_203-5insG on transcript NM_002691.4 (MANE Select); 6 bases into the intron before coding-DNA position 203 through 5 bases into the intron before coding-DNA position 203, G inserted.
Molecular consequence: intron variant.
Genome position: GRCh38 VCF-style: chr19-50399365-C-CG. GRCh37 (hg19) VCF-style: chr19-50902622-C-CG.
Other names: c.203-6_203-5insG (LRG_785t1, LRG_785t2, NM_001256849.1 and 1 more transcripts).
Identifiers: ClinVar variation 645594 (VCV000645594.10), dbSNP rs1601190307, ClinGen allele CA915951911.

ClinVar aggregate classification (germline): Uncertain significance (1 of 4 stars; one submission).

Conditions:
POLD1-related polyposis and colorectal cancer syndrome (CRCS10). Also called: Colorectal cancer, susceptibility to, 10; Colorectal cancer 10; COLORECTAL CANCER, SUSCEPTIBILITY TO, ON CHROMOSOME 19q. Identifiers: Orphanet 220460, MedGen C2675481, MONDO:0012953, OMIM 612591.

Allele frequency attached by ClinVar (database versions not stated): gnomAD exomes below 0.00001.

Submission:

Labcorp Genetics (formerly Invitae), Labcorp
Classification: Uncertain significance for POLD1-related polyposis and colorectal cancer syndrome. Last evaluated: 2023-10-13. Review status: criteria provided, single submitter. Criteria: Invitae Variant Classification Sherloc (09022015). Collection method: clinical testing. Allele origin: germline.
Comment: This sequence change falls in intron 2 of the POLD1 gene. It does not directly change the encoded amino acid sequence of the POLD1 protein. This variant is not present in population databases (gnomAD no frequency). This variant has not been reported in the literature in individuals affected with POLD1-related conditions. ClinVar contains an entry for this variant (Variation ID: 645594). Algorithms developed to predict the effect of sequence changes on RNA splicing suggest that this variant may create or strengthen a splice site. In summary, the available evidence is currently insufficient to determine the role of this variant in disease. Therefore, it has been classified as a Variant of Uncertain Significance.